The following is an entry in ClinVar:

NM_000514.4(GDNF):c.448G>A (p.Asp150Asn)

Gene: GDNF (glial cell derived neurotrophic factor; minus strand). Cytogenetic location: 5p13.2.
Variant type: single nucleotide variant.
Coding change: c.448G>A on transcript NM_000514.4 (MANE Select); coding-DNA position 448, G replaced by A.
Protein change: p.Asp150Asn; replaces aspartic acid 150 with asparagine.
Molecular consequence: missense variant.
Genome position (GRCh38, 1-based): chr5:37,815,839, C>T on the plus strand (G>A on the coding strand, the complement: GDNF is on the minus strand). VCF-style: chr5-37815839-C-T. GRCh37 (hg19) VCF-style: chr5-37815941-C-T.
Other names: c.499G>A, p.Asp167Asn (NM_001190468.1); c.421G>A, p.Asp141Asn (NM_001190469.1); c.292G>A, p.Asp98Asn (NM_001278098.1); c.370G>A, p.Asp124Asn (NM_199231.2); short protein forms D150N, D167N, D141N, D124N, D98N.
Identifiers: ClinVar variation 8759 (VCV000008759.37), dbSNP rs76466003, ClinGen allele CA254547.

ClinVar aggregate classification (germline): Benign/Likely benign. Review status: criteria provided, multiple submitters, no conflicts (2 of 4 stars). 9 submissions from 9 submitters: Benign (3); Likely benign (4). 2 of the submissions do not count toward it. Last evaluated 2025-03-01.

Conditions:
GDNF-related disorder. Also called: GDNF-related condition.
Hirschsprung disease, susceptibility to, 3. Identifiers: Orphanet 388, MedGen C3150974, MONDO:0013383, OMIM 613711.

Allele frequency attached by ClinVar (database versions not stated): 1000 Genomes Project 30x 0.00062; 1000 Genomes Project 0.00080; TOPMed 0.00110; gnomAD exomes 0.00211 and 0.00237; ExAC 0.00217; gnomAD 0.00221 and 0.00230.
gnomAD v4.1: 3,382 of 1,613,994 alleles (0.21%); highest among the groups gnomAD compares: Non-Finnish European, 0.19%; 8 homozygotes.

Submissions (9):

CeGaT Center for Human Genetics Tuebingen
Classification: Benign. Last evaluated: 2025-03-01. Review status: criteria provided, single submitter. Criteria: CeGaT Center For Human Genetics Tuebingen Variant Classification Criteria Version 2. Collection method: clinical testing. Allele origin: germline. Affected: yes. Observed: 2 variant alleles.
Comment: GDNF: BP4, BS1, BS2

Blueprint Genetics
Classification: Likely benign. Last evaluated: 2024-11-21. Review status: criteria provided, single submitter. Criteria: ACMG Guidelines, 2015. Collection method: clinical testing. Allele origin: germline.

Labcorp Genetics (formerly Invitae), Labcorp
Classification: Benign. Last evaluated: 2024-01-18. Review status: criteria provided, single submitter. Criteria: Invitae Variant Classification Sherloc (09022015). Collection method: clinical testing. Allele origin: germline.

Fulgent Genetics
Classification: Likely benign for Hirschsprung disease, susceptibility to, 3. Last evaluated: 2022-04-09. Review status: criteria provided, single submitter. Criteria: ACMG Guidelines, 2015. Collection method: clinical testing. Allele origin: unknown.

Mendelics
Classification: Benign for Hirschsprung disease, susceptibility to, 3. Last evaluated: 2019-05-28. Review status: criteria provided, single submitter. Criteria: Mendelics Assertion Criteria 2017. Collection method: clinical testing. Allele origin: unknown.

GeneDx
Classification: Likely benign. Last evaluated: 2017-09-19. Review status: criteria provided, single submitter. Criteria: GeneDx Variant Classification (06012015). Collection method: clinical testing. Allele origin: germline. Affected: yes.
Comment: This variant is considered likely benign or benign based on one or more of the following criteria: it is a conservative change, it occurs at a poorly conserved position in the protein, it is predicted to be benign by multiple in silico algorithms, and/or has population frequency not consistent with disease.

Illumina Laboratory Services, Illumina
Classification: Likely benign for Hirschsprung disease, susceptibility to, 3. Last evaluated: 2017-04-27. Review status: criteria provided, single submitter. Criteria: ICSL Variant Classification Criteria 13 December 2019. Collection method: clinical testing. Allele origin: germline.
Comment: This variant was observed as part of a predisposition screen in an ostensibly healthy population. A literature search was performed for the gene, cDNA change, and amino acid change (where applicable). Publications were found based on this search. The evidence from the literature, in combination with allele frequency data from public databases where available, was sufficient to determine this variant is unlikely to cause disease. Therefore, this variant is classified as likely benign.

PreventionGenetics, part of Exact Sciences
Classification: Likely benign for GDNF-related condition. Last evaluated: 2024-07-31. Review status: no assertion criteria provided. Collection method: clinical testing. Allele origin: germline. Not counted in ClinVar's aggregate classification.
Comment: This variant is classified as likely benign based on ACMG/AMP sequence variant interpretation guidelines (Richards et al. 2015 PMID: 25741868, with internal and published modifications).

OMIM
Classification: risk factor for HIRSCHSPRUNG DISEASE, SUSCEPTIBILITY TO, 3. Last evaluated: 1997-07-01. Review status: no assertion criteria provided. Collection method: literature only. Allele origin: germline. Not counted in ClinVar's aggregate classification.

Literature cited by the submitters: PubMed 9359036 (cited by Illumina Laboratory Services, Illumina and OMIM); PubMed 11823451 (cited by Illumina Laboratory Services, Illumina); PubMed 21206993 (cited by Illumina Laboratory Services, Illumina); PubMed 8896569 (cited by Illumina Laboratory Services, Illumina and OMIM).